The following is an entry in ClinVar:

ClinVar aggregate classification (germline): Benign/Likely benign. Review status: criteria provided, multiple submitters, no conflicts (2 of 4 stars). 13 submissions from 13 submitters: Benign (3); Likely benign (8). 2 of the submissions do not count toward it. Last evaluated 2025-12-15.

Conditions:
Ehlers-Danlos syndrome, type 4 (EDSVASC). Also called: Ehlers-Danlos syndrome vascular type; Ehlers Danlos syndrome, ecchymotic type; Ehlers Danlos syndrome, arterial type; Ehlers Danlos syndrome, Sack-Barabas type; Ehlers-Danlos Syndrome Type IV. Identifiers: Orphanet 286, MedGen C0268338, MONDO:0017314, OMIM 130050.
Familial thoracic aortic aneurysm and aortic dissection (TAAD). Also called: Thoracic aortic aneurysms and dissections. Identifiers: Orphanet 91387, MedGen C4707243, MONDO:0019625.

Allele frequency attached by ClinVar (database versions not stated): TOPMed 0.00138; ESP Exome Variant Server 0.00146; 1000 Genomes Project 0.00160; 1000 Genomes Project 30x 0.00172.
gnomAD v4.1: 357 of 1,613,880 alleles (0.022%); highest among the groups gnomAD compares: African/African-American, 0.39%; no homozygotes.

Submissions (13):

Labcorp Genetics (formerly Invitae), Labcorp
Classification: Benign for Ehlers-Danlos syndrome, type 4. Last evaluated: 2025-12-15. Review status: criteria provided, single submitter. Criteria: Invitae Variant Classification Sherloc (09022015). Collection method: clinical testing. Allele origin: germline.

Mayo Clinic Laboratories, Mayo Clinic
Classification: Likely benign. Last evaluated: 2025-09-11. Review status: criteria provided, single submitter. Criteria: ACMG Guidelines, 2015. Collection method: clinical testing. Allele origin: germline. Observed: 4 variant alleles.
Comment: BS1

Blueprint Genetics
Classification: Likely benign. Last evaluated: 2024-11-01. Review status: criteria provided, single submitter. Criteria: ACMG Guidelines, 2015. Collection method: clinical testing. Allele origin: germline.

All of Us Research Program, National Institutes of Health
Classification: Likely benign for Ehlers-Danlos syndrome, type 4. Last evaluated: 2024-09-23. Review status: criteria provided, single submitter. Criteria: ACMG Guidelines, 2015. Collection method: clinical testing. Allele origin: germline. Inheritance: Autosomal dominant inheritance. Observed: 99 variant alleles, 98 heterozygotes, 1 homozygote.
Comment: This study involves interpretation of variants in research participants for the purpose of population health screening. Participant phenotype was not available at the time of variant classification. Additional details can be found in publication PMID: 35346344, PMCID: PMC8962531

CeGaT Center for Human Genetics Tuebingen
Classification: Likely benign. Last evaluated: 2023-11-01. Review status: criteria provided, single submitter. Criteria: CeGaT Center For Human Genetics Tuebingen Variant Classification Criteria Version 2. Collection method: clinical testing. Allele origin: germline. Affected: yes. Observed: 1 variant allele.
Comment: COL3A1: BS1

CHEO Genetics Diagnostic Laboratory, Children's Hospital of Eastern Ontario
Classification: Benign for Familial thoracic aortic aneurysm and aortic dissection. Last evaluated: 2023-03-21. Review status: criteria provided, single submitter. Criteria: ACMG Guidelines, 2015. Collection method: clinical testing. Allele origin: germline.

ARUP Laboratories, Molecular Genetics and Genomics, ARUP Laboratories
Classification: Benign. Last evaluated: 2021-10-07. Review status: criteria provided, single submitter. Criteria: ARUP Molecular Germline Variant Investigation Process 2021. Collection method: clinical testing. Allele origin: germline.

GeneDx
Classification: Likely benign. Last evaluated: 2020-12-09. Review status: criteria provided, single submitter. Criteria: GeneDx Variant Classification Process June 2021. Collection method: clinical testing. Allele origin: germline. Affected: yes.

Color Diagnostics, LLC DBA Color Health
Classification: Likely benign for Familial thoracic aortic aneurysm and aortic dissection. Last evaluated: 2018-10-19. Review status: criteria provided, single submitter. Criteria: ACMG Guidelines, 2015. Collection method: clinical testing. Allele origin: germline.

Ambry Genetics
Classification: Likely benign for Familial thoracic aortic aneurysm and aortic dissection. Last evaluated: 2017-03-14. Review status: criteria provided, single submitter. Criteria: Ambry Variant Classification Scheme 2023. Collection method: clinical testing. Allele origin: germline.

Women's Health and Genetics/Laboratory Corporation of America, LabCorp
Classification: Likely benign. Last evaluated: 2017-03-13. Review status: criteria provided, single submitter. Criteria: LabCorp Variant Classification Summary - May 2015. Collection method: clinical testing. Allele origin: germline.
Comment: Variant summary: The COL3A1 c.2002C>T (p.Pro668Ser) variant involves the alteration of a conserved nucleotide. 2/4 in silico tools predict a benign outcome for this variant (SNPs&GO not captured due to low reliability index). This variant was found in 54/120672 control chromosomes at a frequency of 0.0004475, which is approximately 358 times the estimated maximal expected allele frequency of a pathogenic COL3A1 variant (0.0000013), suggesting this variant is likely a benign polymorphism. In addition, multiple clinical diagnostic laboratories classified this variant as likely benign. The variant of interest has not, to our knowledge, been reported in affected individuals via publications; nor evaluated for functional impact by in vivo/vitro studies. Taken together, this variant is classified as likely benign.

Genome Diagnostics Laboratory, Amsterdam University Medical Center
Classification: Benign. Review status: no assertion criteria provided. Collection method: clinical testing. Allele origin: germline. Affected: yes. Study: VKGL Data-share Consensus. Not counted in ClinVar's aggregate classification.

Laboratory of Diagnostic Genome Analysis, Leiden University Medical Center (LUMC)
Classification: Likely benign. Review status: no assertion criteria provided. Collection method: clinical testing. Allele origin: germline. Affected: yes. Study: VKGL Data-share Consensus. Not counted in ClinVar's aggregate classification.

NM_000090.4(COL3A1):c.2002C>T (p.Pro668Ser)

Gene: COL3A1 (collagen type III alpha 1 chain; plus strand). Cytogenetic location: 2q32.2.
Variant type: single nucleotide variant.
Coding change: c.2002C>T on transcript NM_000090.4 (MANE Select); coding-DNA position 2002, C replaced by T.
Protein change: p.Pro668Ser; replaces proline 668 with serine.
Molecular consequence: missense variant.
Genome position (GRCh38, 1-based): chr2:188,998,698, C>T. VCF-style: chr2-188998698-C-T. GRCh37 (hg19) VCF-style: chr2-189863424-C-T.
Other names: p.P668S:CCT>TCT; short protein forms P668S.
Identifiers: ClinVar variation 199727 (VCV000199727.56), dbSNP rs1801183, ClinGen allele CA004861.